The following is an entry in ClinVar:

NM_015910.7(WDPCP):c.1435+4A>C

Gene: WDPCP (WD repeat containing planar cell polarity effector; minus strand). Cytogenetic location: 2p15.
Variant type: single nucleotide variant.
Coding change: c.1435+4A>C on transcript NM_015910.7 (MANE Select); 4 bases into the intron after coding-DNA position 1435, A replaced by C.
Molecular consequence: intron variant.
Genome position (GRCh38, 1-based): chr2:63,404,044, T>G on the plus strand (A>C on the coding strand, the complement: WDPCP is on the minus strand). VCF-style: chr2-63404044-T-G. GRCh37 (hg19) VCF-style: chr2-63631179-T-G.
Other names: c.1435+4A>C (NM_001354045.2, NM_015910.5); c.1363+4A>C (NM_001354044.2); c.958+4A>C (NM_001042692.3).
Identifiers: ClinVar variation 1056929 (VCV001056929.8), dbSNP rs1694355240, ClinGen allele CA1256317218.

ClinVar aggregate classification (germline): Uncertain significance. Review status: criteria provided, single submitter (1 of 4 stars). 2 submissions from 2 submitters: Uncertain significance (1). 1 of the submissions does not count toward it. Last evaluated 2020-07-15.

Conditions:
Bardet-Biedl syndrome (BBS). Identifiers: Orphanet 110, MedGen C0752166, MONDO:0015229.
WDPCP-related disorder. Also called: WDPCP-related condition.

Allele frequency attached by ClinVar (database versions not stated): TOPMed below 0.00001.

Submissions (2):

Labcorp Genetics (formerly Invitae), Labcorp
Classification: Uncertain significance for Bardet-Biedl syndrome. Last evaluated: 2020-07-15. Review status: criteria provided, single submitter. Criteria: Invitae Variant Classification Sherloc (09022015). Collection method: clinical testing. Allele origin: germline.
Comment: This sequence change falls in intron 10 of the WDPCP gene. It does not directly change the encoded amino acid sequence of the WDPCP protein, but it affects a nucleotide within the consensus splice site of the intron. This variant is not present in population databases (ExAC no frequency). This variant has not been reported in the literature in individuals with WDPCP-related conditions. Nucleotide substitutions within the consensus splice site are a relatively common cause of aberrant splicing (PMID: 17576681, 9536098). Algorithms developed to predict the effect of sequence changes on RNA splicing suggest that this variant may disrupt the consensus splice site, but this prediction has not been confirmed by published transcriptional studies. In summary, the available evidence is currently insufficient to determine the role of this variant in disease. Therefore, it has been classified as a Variant of Uncertain Significance.

PreventionGenetics, part of Exact Sciences
Classification: Uncertain significance for WDPCP-related condition. Last evaluated: 2023-11-16. Review status: no assertion criteria provided. Collection method: clinical testing. Allele origin: germline. Not counted in ClinVar's aggregate classification.
Comment: The WDPCP c.1435+4A>C variant is predicted to interfere with splicing. To our knowledge, this variant has not been reported in the literature or in a large population database, indicating this variant is rare. At this time, the clinical significance of this variant is uncertain due to the absence of conclusive functional and genetic evidence.

Literature cited by the submitters: PubMed 17576681 (cited by Labcorp Genetics (formerly Invitae), Labcorp); PubMed 9536098 (cited by Labcorp Genetics (formerly Invitae), Labcorp).